The following is an entry in ClinVar:

NM_172362.3(KCNH1):c.1478C>A (p.Thr493Asn)

Gene: KCNH1 (potassium voltage-gated channel subfamily H member 1; minus strand). Cytogenetic location: 1q32.2.
Variant type: single nucleotide variant.
Coding change: c.1478C>A on transcript NM_172362.3 (MANE Select); coding-DNA position 1478, C replaced by A.
Protein change: p.Thr493Asn; replaces threonine 493 with asparagine.
Molecular consequence: missense variant.
Genome position (GRCh38, 1-based): chr1:210,804,151, G>T on the plus strand (C>A on the coding strand, the complement: KCNH1 is on the minus strand). VCF-style: chr1-210804151-G-T. GRCh37 (hg19) VCF-style: chr1-210977493-G-T.
Other names: c.1397C>A, p.Thr466Asn (NM_002238.4); short protein forms T493N, T466N.
Identifiers: ClinVar variation 807914 (VCV000807914.48), dbSNP rs1574266171, ClinGen allele CA344874576.

ClinVar aggregate classification (germline): Likely pathogenic. Review status: criteria provided, multiple submitters, no conflicts (2 of 4 stars). 2 submissions from 2 submitters: Likely pathogenic (2). Last evaluated 2025-08-21.

Submissions (2):

Labcorp Genetics (formerly Invitae), Labcorp
Classification: Likely pathogenic. Last evaluated: 2025-08-21. Review status: criteria provided, single submitter. Criteria: Invitae Variant Classification Sherloc (09022015). Collection method: clinical testing. Allele origin: germline.
Comment: This sequence change replaces threonine, which is neutral and polar, with asparagine, which is neutral and polar, at codon 493 of the KCNH1 protein (p.Thr493Asn). This variant is not present in population databases (gnomAD no frequency). This missense change has been observed in individual(s) with clinical features of KCNH1-related conditions (PMID: 33811134; internal data). In at least one individual the variant was observed to be de novo. ClinVar contains an entry for this variant (Variation ID: 807914). Invitae Evidence Modeling of protein sequence and biophysical properties (such as structural, functional, and spatial information, amino acid conservation, physicochemical variation, residue mobility, and thermodynamic stability) has been performed for this missense variant. However, the output from this modeling did not meet the statistical confidence thresholds required to predict the impact of this variant on KCNH1 protein function. In summary, the currently available evidence indicates that the variant is pathogenic, but additional data are needed to prove that conclusively. Therefore, this variant has been classified as Likely Pathogenic.

CeGaT Center for Human Genetics Tuebingen
Classification: Likely pathogenic. Last evaluated: 2018-07-01. Review status: criteria provided, single submitter. Criteria: CeGaT Center For Human Genetics Tuebingen Variant Classification Criteria Version 2. Collection method: clinical testing. Allele origin: germline. Affected: yes. Observed: 1 variant allele.

Literature cited by the submitters: PubMed 33811134 (cited by Labcorp Genetics (formerly Invitae), Labcorp).